The following is an entry in ClinVar:

NM_001130823.3(DNMT1):c.2321A>G (p.Glu774Gly)

Gene: DNMT1 (DNA methyltransferase 1; minus strand). Cytogenetic location: 19p13.2.
Variant type: single nucleotide variant.
Coding change: c.2321A>G on transcript NM_001130823.3 (MANE Select); coding-DNA position 2321, A replaced by G.
Protein change: p.Glu774Gly; replaces glutamic acid 774 with glycine.
Molecular consequence: missense variant.
Genome position (GRCh38, 1-based): chr19:10,149,913, T>C on the plus strand (A>G on the coding strand, the complement: DNMT1 is on the minus strand). VCF-style: chr19-10149913-T-C. GRCh37 (hg19) VCF-style: chr19-10260589-T-C.
Other names: c.2273A>G, p.Glu758Gly (NM_001318730.2, NM_001379.4); c.1958A>G, p.Glu653Gly (NM_001318731.2); short protein forms E653G, E774G, E758G.
Identifiers: ClinVar variation 2011289 (VCV002011289.2), dbSNP rs1346601061, ClinGen allele CA403929781.

ClinVar aggregate classification (germline): Uncertain significance. Review status: criteria provided, multiple submitters, no conflicts (2 of 4 stars). 2 submissions from 2 submitters: Uncertain significance (2). Last evaluated 2024-01-12.

Conditions:
Hereditary sensory neuropathy-deafness-dementia syndrome. Also called: NEUROPATHY, HEREDITARY SENSORY, WITH HEARING LOSS AND DEMENTIA; HSN IE; Hereditary sensory neuropathy type IE; Hereditary Sensory and Autonomic Neuropathy Type 1E (HSAN1E). Identifiers: Orphanet 456318, MedGen C3279885, MONDO:0013584, OMIM 614116.

Allele frequency attached by ClinVar (database versions not stated): TOPMed below 0.00001; gnomAD exomes 0.00001.
gnomAD v4.1: 4 of 1,614,164 alleles (0.00025%); highest among the groups gnomAD compares: Admixed American, 0.0067%; no homozygotes.

Submissions (2):

GeneDx
Classification: Uncertain significance. Last evaluated: 2024-01-12. Review status: criteria provided, single submitter. Criteria: GeneDx Variant Classification Process June 2021. Collection method: clinical testing. Allele origin: germline. Affected: yes.
Comment: In silico analysis supports that this missense variant has a deleterious effect on protein structure/function; Has not been previously published as pathogenic or benign to our knowledge

Labcorp Genetics (formerly Invitae), Labcorp
Classification: Uncertain significance for Hereditary sensory neuropathy-deafness-dementia syndrome. Last evaluated: 2022-10-07. Review status: criteria provided, single submitter. Criteria: Invitae Variant Classification Sherloc (09022015). Collection method: clinical testing. Allele origin: germline.
Comment: This sequence change replaces glutamic acid, which is acidic and polar, with glycine, which is neutral and non-polar, at codon 774 of the DNMT1 protein (p.Glu774Gly). This variant is present in population databases (no rsID available, gnomAD 0.01%). This variant has not been reported in the literature in individuals affected with DNMT1-related conditions. Advanced modeling of protein sequence and biophysical properties (such as structural, functional, and spatial information, amino acid conservation, physicochemical variation, residue mobility, and thermodynamic stability) performed at Invitae indicates that this missense variant is not expected to disrupt DNMT1 protein function. In summary, the available evidence is currently insufficient to determine the role of this variant in disease. Therefore, it has been classified as a Variant of Uncertain Significance.